The following is an entry in ClinVar:

ClinVar aggregate classification (germline): Uncertain significance. Review status: criteria provided, multiple submitters, no conflicts (2 of 4 stars). 3 submissions from 3 submitters: Uncertain significance (3). Last evaluated 2025-10-01.

Conditions:
Neurofibromatosis, type 1 (NF1). Also called: NEUROFIBROMATOSIS, TYPE I, SOMATIC; Neurofibromatosis, type I; Peripheral type neurofibromatosis; VON RECKLINGHAUSEN DISEASE. Identifiers: Orphanet 636, MedGen C0027831, MONDO:0018975, OMIM 162200. Disease mechanism: loss of function.
Cardiovascular phenotype. Identifiers: MedGen CN230736.
Hereditary cancer-predisposing syndrome. Also called: Neoplastic Syndromes, Hereditary; Tumor predisposition; Hereditary neoplastic syndrome; Hereditary Cancer Syndrome. Identifiers: Orphanet 140162, MedGen C0027672, MeSH D009386, MONDO:0015356.

Submissions (3):

3billion
Classification: Uncertain significance for Neurofibromatosis, type 1. Last evaluated: 2025-10-01. Review status: criteria provided, single submitter. Criteria: ACMG Guidelines, 2015. Collection method: clinical testing. Allele origin: germline. Affected: yes.
Comment: The variant is not observed in the gnomAD v4.1.0 dataset. Predicted Consequence/Location: Missense variant In silico tool predictions suggest damaging effect of the variant on gene or gene product [REVEL: 0.73 (>=0.6, sensitivity 0.68 and specificity 0.92); 3Cnet: 0.99 (> 0.75, sensitivity 0.96 and precision 0.92)]. Different missense changes at the same codon (p.Arg1038Gly, p.Arg1038Ser, p.Arg1038Thr) have been reported as pathogenic/likely pathogenic with strong evidence (ClinVar ID: VCV001379171, VCV001702853 /PMID: 16835897, 18546366, 29618358). Therefore, this variant is classified as VUS according to the recommendation of ACMG/AMP guideline.

Ambry Genetics
Classification: Uncertain significance for Cardiovascular phenotype; Hereditary cancer-predisposing syndrome. Last evaluated: 2025-01-15. Review status: criteria provided, single submitter. Criteria: Ambry Variant Classification Scheme 2023. Collection method: clinical testing. Allele origin: germline.
Comment: The p.R1038M variant (also known as c.3113G>T), located in coding exon 23 of the NF1 gene, results from a G to T substitution at nucleotide position 3113. The arginine at codon 1038 is replaced by methionine, an amino acid with similar properties. However, this change occurs in the last base pair of coding exon 23 and may have some effect on normal mRNA splicing. This nucleotide position is highly conserved in available vertebrate species. In silico splice site analysis predicts that this alteration will not have any significant effect on splicing. This amino acid position is highly conserved in available vertebrate species. In addition, as a missense substitution this alteration is predicted to be deleterious by in silico analysis. Based on the available evidence, the clinical significance of this variant remains unclear.

Labcorp Genetics (formerly Invitae), Labcorp
Classification: Uncertain significance for Neurofibromatosis, type 1. Last evaluated: 2024-07-03. Review status: criteria provided, single submitter. Criteria: Invitae Variant Classification Sherloc (09022015). Collection method: clinical testing. Allele origin: germline.
Comment: This sequence change replaces arginine, which is basic and polar, with methionine, which is neutral and non-polar, at codon 1038 of the NF1 protein (p.Arg1038Met). This variant also falls at the last nucleotide of exon 23, which is part of the consensus splice site for this exon. This variant is not present in population databases (gnomAD no frequency). This variant has not been reported in the literature in individuals affected with NF1-related conditions. ClinVar contains an entry for this variant (Variation ID: 404511). An algorithm developed to predict the effect of missense changes on protein structure and function (PolyPhen-2) suggests that this variant is likely to be disruptive. Variants that disrupt the consensus splice site are a relatively common cause of aberrant splicing (PMID: 17576681, 9536098). Algorithms developed to predict the effect of sequence changes on RNA splicing suggest that this variant may disrupt the consensus splice site. In summary, the available evidence is currently insufficient to determine the role of this variant in disease. Therefore, it has been classified as a Variant of Uncertain Significance.

Literature cited by the submitters: PubMed 16835897 (cited by 3billion); PubMed 17576681 (cited by Labcorp Genetics (formerly Invitae), Labcorp); PubMed 9536098 (cited by Labcorp Genetics (formerly Invitae), Labcorp).

NM_001042492.3(NF1):c.3113G>T (p.Arg1038Met)

Gene: NF1 (neurofibromin 1; plus strand). Cytogenetic location: 17q11.2.
Variant type: single nucleotide variant.
Coding change: c.3113G>T on transcript NM_001042492.3 (MANE Select); coding-DNA position 3113, G replaced by T.
Protein change: p.Arg1038Met; replaces arginine 1038 with methionine.
Molecular consequence: missense variant.
Genome position (GRCh38, 1-based): chr17:31,230,382, G>T. VCF-style: chr17-31230382-G-T. GRCh37 (hg19) VCF-style: chr17-29557400-G-T.
Other names: c.3113G>T, p.Arg1038Met (NM_000267.4); short protein forms R1038M.
Identifiers: ClinVar variation 404511 (VCV000404511.7), dbSNP rs1060500313, ClinGen allele CA16615190.